The following is an entry in ClinVar:

NM_001372044.2(SHANK3):c.3595C>T (p.Pro1199Ser)

Gene: SHANK3 (SH3 and multiple ankyrin repeat domains 3; plus strand). Cytogenetic location: 22q13.33.
Variant type: single nucleotide variant.
Coding change: c.3595C>T on transcript NM_001372044.2 (MANE Select); coding-DNA position 3595, C replaced by T.
Protein change: p.Pro1199Ser; replaces proline 1199 with serine.
Molecular consequence: missense variant.
Genome position (GRCh38, 1-based): chr22:50,721,203, C>T. VCF-style: chr22-50721203-C-T. GRCh37 (hg19) VCF-style: chr22-51159631-C-T.
Other names: c.3370C>T (NM_033517.1); short protein forms P1199S.
Identifiers: ClinVar variation 1676885 (VCV001676885.3), dbSNP rs2146831070, ClinGen allele CA515261443.
Genomic context (GRCh38, chr22:50,721,203, plus strand): 5'-CCCAGCTCACCCCTGGCCCTTGCCCTGGCTGCCCGAGAGCGAGCTCTGGCCTCCCAGGCG[C>T]CCTCCCGGTCCCCCACACCCGTGCACAGTCCCGACGCCGACCGCCCCGGACCCCTGTTTG-3'
Protein context (NP_001358973.1, residues 1189-1209): ARERALASQA[Pro1199Ser]SRSPTPVHSP

ClinVar aggregate classification (germline): Uncertain significance (1 of 4 stars; one submission).

Allele frequency attached by ClinVar (database versions not stated): gnomAD exomes below 0.00001.

Submission:

GeneDx
Classification: Uncertain significance. Last evaluated: 2024-08-27. Review status: criteria provided, single submitter. Criteria: GeneDx Variant Classification Process June 2021. Collection method: clinical testing. Allele origin: germline. Affected: yes.
Comment: Has not been previously published as pathogenic or benign to our knowledge; In silico analysis supports that this missense variant has a deleterious effect on protein structure/function; Not observed at significant frequency in large population cohorts (gnomAD); This variant is associated with the following publications: (PMID: 27535533)